The following is an entry in ClinVar:

NM_006214.4(PHYH):c.731C>G (p.Ala244Gly)

Gene: PHYH (phytanoyl-CoA 2-hydroxylase; minus strand). Cytogenetic location: 10p13.
Variant type: single nucleotide variant.
Coding change: c.731C>G on transcript NM_006214.4 (MANE Select); coding-DNA position 731, C replaced by G.
Protein change: p.Ala244Gly; replaces alanine 244 with glycine.
Molecular consequence: missense variant.
Genome position (GRCh38, 1-based): chr10:13,283,787, G>C on the plus strand (C>G on the coding strand, the complement: PHYH is on the minus strand). VCF-style: chr10-13283787-G-C. GRCh37 (hg19) VCF-style: chr10-13325787-G-C.
Other names: c.431C>G, p.Ala144Gly (NM_001037537.2, NM_001323080.2); c.737C>G, p.Ala246Gly (NM_001323082.2); c.467C>G, p.Ala156Gly (NM_001323083.2); c.437C>G, p.Ala146Gly (NM_001323084.2); c.731C>G (NM_006214.3); short protein forms A144G, A146G, A156G, A244G, A246G.
Identifiers: ClinVar variation 1444977 (VCV001444977.5), dbSNP rs759088006, ClinGen allele CA5412248.

ClinVar aggregate classification (germline): Uncertain significance. Review status: criteria provided, multiple submitters, no conflicts (2 of 4 stars). 2 submissions from 2 submitters: Uncertain significance (2). Last evaluated 2025-06-03.

Conditions:
Inborn genetic diseases. Identifiers: MedGen C0950123, MeSH D030342.

Allele frequency attached by ClinVar (database versions not stated): ExAC 0.00002; gnomAD exomes 0.00001.
gnomAD v4.1: 17 of 1,613,728 alleles (0.0011%); highest among the groups gnomAD compares: African/African-American, 0.016%; no homozygotes.

Submissions (2):

Ambry Genetics
Classification: Uncertain significance for Inborn genetic diseases. Last evaluated: 2025-06-03. Review status: criteria provided, single submitter. Criteria: Ambry Variant Classification Scheme 2023. Collection method: clinical testing. Allele origin: germline.

Labcorp Genetics (formerly Invitae), Labcorp
Classification: Uncertain significance. Last evaluated: 2022-08-23. Review status: criteria provided, single submitter. Criteria: Invitae Variant Classification Sherloc (09022015). Collection method: clinical testing. Allele origin: germline.
Comment: This sequence change replaces alanine, which is neutral and non-polar, with glycine, which is neutral and non-polar, at codon 244 of the PHYH protein (p.Ala244Gly). This variant is present in population databases (rs759088006, gnomAD 0.006%). This variant has not been reported in the literature in individuals affected with PHYH-related conditions. ClinVar contains an entry for this variant (Variation ID: 1444977). Algorithms developed to predict the effect of missense changes on protein structure and function (SIFT, PolyPhen-2, Align-GVGD) all suggest that this variant is likely to be tolerated. In summary, the available evidence is currently insufficient to determine the role of this variant in disease. Therefore, it has been classified as a Variant of Uncertain Significance.